The following is an entry in ClinVar:

ClinVar aggregate classification (germline): Benign/Likely benign. Review status: criteria provided, multiple submitters, no conflicts (2 of 4 stars). 3 submissions from 3 submitters: Benign (1); Likely benign (1). 1 of the submissions does not count toward it. Last evaluated 2025-11-28.

Conditions:
FGFR3-related disorder. Also called: FGFR3-related disorders.

Allele frequency attached by ClinVar (database versions not stated): TOPMed 0.00005; gnomAD 0.00006 and 0.00013; gnomAD exomes 0.00036; 1000 Genomes Project 0.00040; ExAC 0.00064; 1000 Genomes Project 30x 0.00078.
gnomAD v4.1: 356 of 1,549,920 alleles (0.023%); highest among the groups gnomAD compares: South Asian, 0.19%; 1 homozygote.

Submissions (3):

Labcorp Genetics (formerly Invitae), Labcorp
Classification: Benign. Last evaluated: 2025-11-28. Review status: criteria provided, single submitter. Criteria: Invitae Variant Classification Sherloc (09022015). Collection method: clinical testing. Allele origin: germline.

Blueprint Genetics
Classification: Likely benign. Last evaluated: 2022-08-23. Review status: criteria provided, single submitter. Criteria: ACMG Guidelines, 2015. Collection method: clinical testing. Allele origin: germline.

PreventionGenetics, part of Exact Sciences
Classification: Likely benign for FGFR3-related condition. Last evaluated: 2019-06-06. Review status: no assertion criteria provided. Collection method: clinical testing. Allele origin: germline. Not counted in ClinVar's aggregate classification.
Comment: This variant is classified as likely benign based on ACMG/AMP sequence variant interpretation guidelines (Richards et al. 2015 PMID: 25741868, with internal and published modifications).

NM_000142.5(FGFR3):c.1287G>A (p.Ala429=)

Gene: FGFR3 (fibroblast growth factor receptor 3; plus strand). Cytogenetic location: 4p16.3.
Variant type: single nucleotide variant.
Coding change: c.1287G>A on transcript NM_000142.5 (MANE Select); coding-DNA position 1287, G replaced by A.
Protein change: p.Ala429=; no amino-acid change (alanine 429 retained).
Molecular consequence: synonymous variant. On other transcripts: non-coding transcript variant (1).
Genome position (GRCh38, 1-based): chr4:1,804,844, G>A. VCF-style: chr4-1804844-G-A. GRCh37 (hg19) VCF-style: chr4-1806571-G-A.
Other names: c.1287G>A (NM_000142.4); c.1293G>A, p.Ala431= (NM_001163213.2); c.1290G>A, p.Ala430= (NM_001354809.2, NM_001354810.2); c.951G>A, p.Ala317= (NM_022965.4).
Identifiers: ClinVar variation 1680068 (VCV001680068.11), dbSNP rs187229103, ClinGen allele CA2810361.